The following is an entry in ClinVar:

NM_002734.5(PRKAR1A):c.177+1G>A

Gene: PRKAR1A (protein kinase cAMP-dependent type I regulatory subunit alpha; plus strand). Cytogenetic location: 17q24.2.
Variant type: single nucleotide variant.
Coding change: c.177+1G>A on transcript NM_002734.5 (MANE Select); the canonical splice donor site of the intron after coding-DNA position 177, G replaced by A.
Molecular consequence: splice donor variant.
Genome position (GRCh38, 1-based): chr17:68,515,577, G>A. VCF-style: chr17-68515577-G-A. GRCh37 (hg19) VCF-style: chr17-66511718-G-A.
Other names: c.177+1G>A (NM_001276289.2, NM_001369390.1, NM_001276290.1 and 4 more transcripts).
Identifiers: ClinVar variation 536896 (VCV000536896.10), dbSNP rs1555811753, ClinGen allele CA400752140.
Genomic context (GRCh38, chr17:68,515,577, plus strand): 5'-ACTGCTCGACCTGAGAGACCCATGGCATTCCTCAGGGAATACTTTGAGAGGTTGGAGAAG[G>A]TAAAAATAAATGTGGGGAGATGATGAGGTGATTGTGACAGTTGTTACATTTAATAACTGG-3'

ClinVar aggregate classification (germline): Pathogenic (1 of 4 stars; one submission).

Conditions:
Carney complex, type 1 (CNC1). Also called: CARNEY MYXOMA-ENDOCRINE COMPLEX; CARNEY COMPLEX, TYPE I. Identifiers: Orphanet 1359, MedGen C2607929, MONDO:0008057, OMIM 160980.

Submission:

Labcorp Genetics (formerly Invitae), Labcorp
Classification: Pathogenic for Carney complex, type 1. Last evaluated: 2018-08-12. Review status: criteria provided, single submitter. Criteria: Invitae Variant Classification Sherloc (09022015). Collection method: clinical testing. Allele origin: germline.
Comment: For these reasons, this variant has been classified as Pathogenic. Donor and acceptor splice site variants typically lead to a loss of protein function (PMID: 16199547), and loss-of-function variants in PRKAR1A are known to be pathogenic (PMID: 11115848, 19293268). Experimental studies report that this variant can result in aberrant mRNA splicing that is subject to nonsense-mediated decay (PMID: 19293268, 20358582). This variant has been reported in individuals affected with Carney complex (PMID: 18056771, 22259056, 22341669). ClinVar contains an entry for this variant (Variation ID: 536896). This variant is not present in population databases (ExAC no frequency). This sequence change affects a donor splice site in intron 2 of the PRKAR1A gene. It is expected to disrupt RNA splicing and likely results in an absent or disrupted protein product.

Literature cited by the submitters: PubMed 16199547; PubMed 11115848; PubMed 19293268; PubMed 20358582; PubMed 18056771; PubMed 22259056; PubMed 22341669.